The following is an entry in ClinVar:

NM_006721.4(ADK):c.651G>A (p.Pro217=)

Genes: ADK-AS1 (ADK antisense RNA 1; minus strand), ADK (adenosine kinase; plus strand). Cytogenetic location: 10q22.2.
Variant type: single nucleotide variant.
Coding change: c.651G>A on transcript NM_006721.4 (MANE Select); coding-DNA position 651, G replaced by A.
Protein change: p.Pro217=; no amino-acid change (proline 217 retained).
Molecular consequence: synonymous variant. On other transcripts: intron variant (2).
Genome position (GRCh38, 1-based): chr10:74,525,351, G>A. VCF-style: chr10-74525351-G-A. GRCh37 (hg19) VCF-style: chr10-76285109-G-A.
Other names: c.651G>A (NM_006721.3); c.600G>A, p.Pro200= (NM_001123.4); c.546G>A, p.Pro182= (NM_001202449.2); c.651G>A, p.Pro217= (NM_001369123.1); c.556-63931G>A (NM_001202450.2); c.505-63931G>A (NM_001369124.1).
Identifiers: ClinVar variation 2897046 (VCV002897046.4), dbSNP rs201810555, ClinGen allele CA209874923.

ClinVar aggregate classification (germline): Likely benign. Review status: criteria provided, multiple submitters, no conflicts (2 of 4 stars). 2 submissions from 2 submitters: Likely benign (2). Last evaluated 2026-04-30.

Conditions:
ADK-related disorder. Also called: ADK-related condition.

Allele frequency attached by ClinVar (database versions not stated): gnomAD exomes 0.00003; gnomAD 0.00004; TOPMed 0.00005.
gnomAD v4.1: 47 of 1,613,400 alleles (0.0029%); highest among the groups gnomAD compares: Admixed American, 0.0067%; no homozygotes.

Submissions (2):

PreventionGenetics, part of Exact Sciences
Classification: Likely benign for ADK-related condition. Last evaluated: 2026-04-30. Review status: criteria provided, single submitter. Criteria: ACMG Guidelines, 2015. Collection method: clinical testing. Allele origin: germline.
Comment: This variant is classified as likely benign based on ACMG/AMP sequence variant interpretation guidelines (Richards et al. 2015 PMID: 25741868, with internal and published modifications).

Labcorp Genetics (formerly Invitae), Labcorp
Classification: Likely benign. Last evaluated: 2023-07-12. Review status: criteria provided, single submitter. Criteria: Invitae Variant Classification Sherloc (09022015). Collection method: clinical testing. Allele origin: germline.